The following is an entry in ClinVar:

NM_002485.5(NBN):c.1433G>T (p.Cys478Phe)

Gene: NBN (nibrin; minus strand). Cytogenetic location: 8q21.3.
Variant type: single nucleotide variant.
Coding change: c.1433G>T on transcript NM_002485.5 (MANE Select); coding-DNA position 1433, G replaced by T.
Protein change: p.Cys478Phe; replaces cysteine 478 with phenylalanine.
Molecular consequence: missense variant.
Genome position (GRCh38, 1-based): chr8:89,953,656, C>A on the plus strand (G>T on the coding strand, the complement: NBN is on the minus strand). VCF-style: chr8-89953656-C-A. GRCh37 (hg19) VCF-style: chr8-90965884-C-A.
Other names: c.1187G>T, p.Cys396Phe (NM_001024688.3, NM_001440379.1, NM_001440380.1); short protein forms C478F, C396F.
Identifiers: ClinVar variation 4763302 (VCV004763302.1).

ClinVar aggregate classification (germline): Uncertain significance (1 of 4 stars; one submission).

Conditions:
Microcephaly, normal intelligence and immunodeficiency (NBS). Also called: SEEMANOVA SYNDROME II; BERLIN BREAKAGE SYNDROME; Ataxia telangiectasia variant V1; IMMUNODEFICIENCY, MICROCEPHALY, AND CHROMOSOMAL INSTABILITY; Nijmegen breakage syndrome; Microcephaly with normal intelligence immunodeficiency and lymphoreticular malignancies. Identifiers: Orphanet 647, MedGen C0398791, MONDO:0009623, OMIM 251260.

Submission:

Labcorp Genetics (formerly Invitae), Labcorp
Classification: Uncertain significance for Microcephaly, normal intelligence and immunodeficiency. Last evaluated: 2025-11-30. Review status: criteria provided, single submitter. Criteria: Invitae Variant Classification Sherloc (09022015). Collection method: clinical testing. Allele origin: germline.
Comment: This sequence change replaces cysteine, which is neutral and slightly polar, with phenylalanine, which is neutral and non-polar, at codon 478 of the NBN protein (p.Cys478Phe). This variant is not present in population databases (gnomAD no frequency). This variant has not been reported in the literature in individuals affected with NBN-related conditions. An algorithm developed to predict the effect of missense changes on protein structure and function outputs the following: PolyPhen-2: "Benign". The phenylalanine amino acid residue is found in multiple mammalian species, which suggests that this missense change does not adversely affect protein function. In summary, the available evidence is currently insufficient to determine the role of this variant in disease. Therefore, it has been classified as a Variant of Uncertain Significance.